The following is an entry in ClinVar:

NM_000784.4(CYP27A1):c.276C>T (p.Tyr92=)

Gene: CYP27A1 (cytochrome P450 family 27 subfamily A member 1; plus strand). Cytogenetic location: 2q35.
Variant type: single nucleotide variant.
Coding change: c.276C>T on transcript NM_000784.4 (MANE Select); coding-DNA position 276, C replaced by T.
Protein change: p.Tyr92=; no amino-acid change (tyrosine 92 retained).
Molecular consequence: synonymous variant.
Genome position (GRCh38, 1-based): chr2:218,809,597, C>T. VCF-style: chr2-218809597-C-T. GRCh37 (hg19) VCF-style: chr2-219674320-C-T.
Identifiers: ClinVar variation 287651 (VCV000287651.32), dbSNP rs141519183, ClinGen allele CA2112559.

ClinVar aggregate classification (germline): Conflicting classifications of pathogenicity. Review status: criteria provided, conflicting classifications (1 of 4 stars). 12 submissions from 12 submitters: Uncertain significance (3); Likely benign (4). 5 of the submissions do not count toward it. Last evaluated 2026-09-01.

Conditions:
Cardiovascular phenotype. Identifiers: MedGen CN230736.
Cholestanol storage disease (CTX). Also called: Cerebrotendinous Xanthomatosis; CTX: Cerebrotendinous xanthomatosis; CEREBRAL CHOLESTERINOSIS. Identifiers: Orphanet 909, MedGen C0238052, MONDO:0008948, OMIM 213700.

Allele frequency attached by ClinVar (database versions not stated): 1000 Genomes Project 30x 0.00016; 1000 Genomes Project 0.00020; ExAC 0.00030; gnomAD exomes 0.00038 and 0.00065; TOPMed 0.00043; gnomAD 0.00050 and 0.00053; ESP Exome Variant Server 0.00054.
gnomAD v4.1: 1,005 of 1,614,148 alleles (0.062%); highest among the groups gnomAD compares: Non-Finnish European, 0.08%; no homozygotes.

Submissions (12):

CeGaT Center for Human Genetics Tuebingen
Classification: Likely benign. Last evaluated: 2026-09-01. Review status: criteria provided, single submitter. Criteria: CeGaT Center For Human Genetics Tuebingen Variant Classification Criteria Version 2. Collection method: clinical testing. Allele origin: germline. Affected: yes. Observed: 2 variant alleles.
Comment: CYP27A1: BP4, BP7

Labcorp Genetics (formerly Invitae), Labcorp
Classification: Likely benign for Cholestanol storage disease. Last evaluated: 2026-01-29. Review status: criteria provided, single submitter. Criteria: Invitae Variant Classification Sherloc (09022015). Collection method: clinical testing. Allele origin: germline.

Ambry Genetics
Classification: Uncertain significance for Cardiovascular phenotype. Last evaluated: 2025-01-30. Review status: criteria provided, single submitter. Criteria: Ambry Variant Classification Scheme 2023. Collection method: clinical testing. Allele origin: germline.
Comment: The c.276C>T variant (also known as p.Y92Y), located in coding exon 2 of the CYP27A1 gene, results from a C to T substitution at nucleotide position 276. This nucleotide substitution does not change the tyrosine at codon 92. This nucleotide position is poorly conserved in available vertebrate species. In silico splice site analysis for this alteration is inconclusive. Based on the available evidence, the clinical significance of this variant remains unclear.

Blueprint Genetics
Classification: Likely benign. Last evaluated: 2024-11-21. Review status: criteria provided, single submitter. Criteria: ACMG Guidelines, 2015. Collection method: clinical testing. Allele origin: germline.

GeneDx
Classification: Likely benign. Last evaluated: 2021-04-23. Review status: criteria provided, single submitter. Criteria: GeneDx Variant Classification Process June 2021. Collection method: clinical testing. Allele origin: germline. Affected: yes.

Eurofins Ntd Llc (ga)
Classification: Uncertain significance. Last evaluated: 2018-03-29. Review status: criteria provided, single submitter. Criteria: EGL ClinVar v180209 classification definitions. Collection method: clinical testing. Allele origin: germline. Observed: 6 variant alleles, 6 heterozygotes.

Illumina Laboratory Services, Illumina
Classification: Uncertain significance for Cholestanol storage disease. Last evaluated: 2018-01-13. Review status: criteria provided, single submitter. Criteria: ICSL Variant Classification Criteria 13 December 2019. Collection method: clinical testing. Allele origin: germline.

Natera, Inc.
Classification: Likely benign for Cerebrotendinous xanthomatosis. Last evaluated: 2020-01-11. Review status: no assertion criteria provided. Collection method: clinical testing. Allele origin: germline. Not counted in ClinVar's aggregate classification.

Clinical Genetics DNA and cytogenetics Diagnostics Lab, Erasmus MC, Erasmus Medical Center
Classification: Likely benign. Review status: no assertion criteria provided. Collection method: clinical testing. Allele origin: germline. Affected: yes. Study: VKGL Data-share Consensus. Not counted in ClinVar's aggregate classification.

Clinical Genetics, Academic Medical Center
Classification: Benign. Review status: no assertion criteria provided. Collection method: clinical testing. Allele origin: germline. Affected: yes. Study: VKGL Data-share Consensus. Not counted in ClinVar's aggregate classification.

Diagnostic Laboratory, Department of Genetics, University Medical Center Groningen
Classification: Likely benign for Cholestanol storage disease. Review status: no assertion criteria provided. Collection method: clinical testing. Allele origin: germline. Affected: yes. Study: VKGL Data-share Consensus. Not counted in ClinVar's aggregate classification.

Joint Genome Diagnostic Labs from Nijmegen and Maastricht, Radboudumc and MUMC+
Classification: Likely benign. Review status: no assertion criteria provided. Collection method: clinical testing. Allele origin: germline. Affected: yes. Study: VKGL Data-share Consensus. Not counted in ClinVar's aggregate classification.